The following is an entry in ClinVar:

NM_000059.4(BRCA2):c.6742C>A (p.His2248Asn)

Gene: BRCA2 (BRCA2 DNA repair associated; plus strand). Cytogenetic location: 13q13.1.
Variant type: single nucleotide variant.
Coding change: c.6742C>A on transcript NM_000059.4 (MANE Select); coding-DNA position 6742, C replaced by A.
Protein change: p.His2248Asn; replaces histidine 2248 with asparagine.
Molecular consequence: missense variant.
Genome position (GRCh38, 1-based): chr13:32,341,097, C>A. VCF-style: chr13-32341097-C-A. GRCh37 (hg19) VCF-style: chr13-32915234-C-A.
Other names: c.6742C>A, p.His2248Asn (NM_001406719.1, NM_001406720.1); short protein forms H2248N.
Identifiers: ClinVar variation 1755195 (VCV001755195.5), dbSNP rs1350512388, ClinGen allele CA387791108.

ClinVar aggregate classification (germline): Conflicting classifications of pathogenicity. Review status: criteria provided, conflicting classifications (1 of 4 stars). 3 submissions from 3 submitters: Uncertain significance (2); Likely benign (1). Last evaluated 2025-03-04.

Conditions:
Hereditary breast ovarian cancer syndrome. Also called: Hereditary breast and ovarian cancer syndrome (HBOC); Hereditary breast and ovarian cancer; BRCA1- and BRCA2-Associated Hereditary Breast and Ovarian Cancer; Hereditary breast and ovarian cancer syndrome; Breast and ovarian cancer; Hereditary breast and/or ovarian cancer syndrome. Identifiers: Orphanet 145, MedGen C0677776, MeSH D061325, MONDO:0003582. Disease mechanism: loss of function.
Hereditary cancer-predisposing syndrome. Also called: Neoplastic Syndromes, Hereditary; Tumor predisposition; Hereditary Cancer Syndrome; Hereditary neoplastic syndrome. Identifiers: Orphanet 140162, MedGen C0027672, MeSH D009386, MONDO:0015356.

Submissions (3):

Labcorp Genetics (formerly Invitae), Labcorp
Classification: Uncertain significance for Hereditary breast ovarian cancer syndrome. Last evaluated: 2025-03-04. Review status: criteria provided, single submitter. Criteria: Invitae Variant Classification Sherloc (09022015). Collection method: clinical testing. Allele origin: germline.
Comment: This sequence change replaces histidine, which is basic and polar, with asparagine, which is neutral and polar, at codon 2248 of the BRCA2 protein (p.His2248Asn). This variant is not present in population databases (gnomAD no frequency). This variant has not been reported in the literature in individuals affected with BRCA2-related conditions. ClinVar contains an entry for this variant (Variation ID: 1755195). Invitae Evidence Modeling of protein sequence and biophysical properties (such as structural, functional, and spatial information, amino acid conservation, physicochemical variation, residue mobility, and thermodynamic stability) indicates that this missense variant is not expected to disrupt BRCA2 protein function with a negative predictive value of 95%. In summary, the available evidence is currently insufficient to determine the role of this variant in disease. Therefore, it has been classified as a Variant of Uncertain Significance.

University of Washington Department of Laboratory Medicine, University of Washington
Classification: Likely benign for Hereditary cancer-predisposing syndrome. Last evaluated: 2023-03-23. Review status: criteria provided, single submitter. Criteria: Dines et al. (Genet Med. 2020). Collection method: curation. Allele origin: germline.
Comment: Missense variant in a coldspot region where missense variants are very unlikely to be pathogenic (PMID:31911673).

BRCA2 exon 11 coldspot. Reclassification based on statistical prior probability.

Ambry Genetics
Classification: Uncertain significance for Hereditary cancer-predisposing syndrome. Last evaluated: 2020-11-13. Review status: criteria provided, single submitter. Criteria: Ambry Variant Classification Scheme 2023. Collection method: clinical testing. Allele origin: germline.
Comment: The p.H2248N variant (also known as c.6742C>A), located in coding exon 10 of the BRCA2 gene, results from a C to A substitution at nucleotide position 6742. The histidine at codon 2248 is replaced by asparagine, an amino acid with similar properties. This amino acid position is not well conserved in available vertebrate species. In addition, this alteration is predicted to be tolerated by in silico analysis. Since supporting evidence is limited at this time, the clinical significance of this alteration remains unclear.